The following is an entry in ClinVar:

ClinVar aggregate classification (germline): Conflicting classifications of pathogenicity. Review status: criteria provided, conflicting classifications (1 of 4 stars). 2 submissions from 2 submitters: Uncertain significance (1); Likely benign (1). Last evaluated 2026-01-02.

Conditions:
Glycogen storage disease, type VII (GSD7). Also called: MUSCLE PHOSPHOFRUCTOKINASE DEFICIENCY; PFKM DEFICIENCY; TARUI DISEASE; GSD VII. Identifiers: Orphanet 371, MedGen C0017926, MONDO:0009295, OMIM 232800.

Allele frequency attached by ClinVar (database versions not stated): gnomAD 0.00001; TOPMed 0.00002.
gnomAD v4.1: 2 of 1,612,530 alleles (0.00012%); highest among the groups gnomAD compares: Admixed American, 0.0017%; no homozygotes.

Submissions (2):

Labcorp Genetics (formerly Invitae), Labcorp
Classification: Uncertain significance for Glycogen storage disease, type VII. Last evaluated: 2026-01-02. Review status: criteria provided, single submitter. Criteria: Invitae Variant Classification Sherloc (09022015). Collection method: clinical testing. Allele origin: germline.
Comment: This sequence change falls in intron 15 of the PFKM gene. It does not directly change the encoded amino acid sequence of the PFKM protein. It affects a nucleotide within the consensus splice site. This variant is present in population databases (no rsID available, gnomAD 0.007%). This variant has not been reported in the literature in individuals affected with PFKM-related conditions. ClinVar contains an entry for this variant (Variation ID: 515446). Variants that disrupt the consensus splice site are a relatively common cause of aberrant splicing (PMID: 17576681, 9536098). Algorithms developed to predict the effect of sequence changes on RNA splicing suggest that this variant is not likely to affect RNA splicing. In summary, the available evidence is currently insufficient to determine the role of this variant in disease. Therefore, it has been classified as a Variant of Uncertain Significance.

GeneDx
Classification: Likely benign. Last evaluated: 2018-02-22. Review status: criteria provided, single submitter. Criteria: GeneDx Variant Classification (06012015). Collection method: clinical testing. Allele origin: germline. Affected: yes.
Comment: This variant is considered likely benign or benign based on one or more of the following criteria: it is a conservative change, it occurs at a poorly conserved position in the protein, it is predicted to be benign by multiple in silico algorithms, and/or has population frequency not consistent with disease.

Literature cited by the submitters: PubMed 17576681 (cited by Labcorp Genetics (formerly Invitae), Labcorp); PubMed 9536098 (cited by Labcorp Genetics (formerly Invitae), Labcorp).

NM_000289.6(PFKM):c.1412+6T>C

Gene: PFKM (phosphofructokinase, muscle; plus strand). Cytogenetic location: 12q13.11.
Variant type: single nucleotide variant.
Coding change: c.1412+6T>C on transcript NM_000289.6 (MANE Select); 6 bases into the intron after coding-DNA position 1412, T replaced by C.
Molecular consequence: intron variant.
Genome position (GRCh38, 1-based): chr12:48,141,387, T>C. VCF-style: chr12-48141387-T-C. GRCh37 (hg19) VCF-style: chr12-48535170-T-C.
Other names: c.1436+6T>C (NM_001354741.2); c.1412+6T>C (NM_001354742.2, NM_001354743.2, NM_001354744.2 and 2 more transcripts); c.1262+6T>C (NM_001354747.2, NM_001354748.2); c.1625+6T>C (NM_001166686.2, NM_001354737.1, NM_001354739.1 and 1 more transcripts); c.1721+6T>C (NM_001354736.1, NM_001354735.1); c.1556+6T>C (NM_001354740.1); c.1325+6T>C (NM_001354745.2); c.1286+6T>C (NM_001354746.2); and 1 more.
Identifiers: ClinVar variation 515446 (VCV000515446.5), dbSNP rs1417385697, ClinGen allele CA604848098.
Genomic context (GRCh38, chr12:48,141,387, plus strand): 5'-GGAGCTATGTTGGGGGCTGGACTGGCCAAGGTGGCTCTAAACTTGGGACTAAAAGGTAAG[T>C]AGCACTGCAGAGGCACCTCCTCCCAGTCACCTCTTAAAGTTGCCCTTGGATGTGGGTTCA-3'